The following is an entry in ClinVar:

NM_000053.4(ATP7B):c.4125-23G>A

Gene: ATP7B (ATPase copper transporting beta; minus strand). Cytogenetic location: 13q14.3.
Variant type: single nucleotide variant.
Coding change: c.4125-23G>A on transcript NM_000053.4 (MANE Select); 23 bases into the intron before coding-DNA position 4125, G replaced by A.
Molecular consequence: intron variant.
Genome position (GRCh38, 1-based): chr13:51,935,052, C>T on the plus strand (G>A on the coding strand, the complement: ATP7B is on the minus strand). VCF-style: chr13-51935052-C-T. GRCh37 (hg19) VCF-style: chr13-52509188-C-T.
Other names: p.?; c.4125-23G>A (NM_000053.3); c.3792-23G>A (NM_001243182.2); c.3504-23G>A (NM_001005918.3); c.3873-23G>A (NM_001330579.2); c.3891-23G>A (NM_001330578.2).
Identifiers: ClinVar variation 994120 (VCV000994120.12), dbSNP rs201152941, ClinGen allele CA6988475.

ClinVar aggregate classification (germline): Likely benign. Review status: criteria provided, multiple submitters, no conflicts (2 of 4 stars). 4 submissions from 4 submitters: Likely benign (3). 1 of the submissions does not count toward it. Last evaluated 2025-03-19.

Conditions:
ATP7B-related disorder. Also called: ATP7B-related condition.
Wilson disease (WND). Also called: Wilson's disease. Identifiers: Orphanet 905, MedGen C0019202, MONDO:0010200, OMIM 277900. Disease mechanism: loss of function.

Allele frequency attached by ClinVar (database versions not stated): gnomAD exomes 0.00110 and 0.00195; ExAC 0.00188; ESP Exome Variant Server 0.00237; 1000 Genomes Project 0.00240; gnomAD 0.00262 and 0.00277; 1000 Genomes Project 30x 0.00281; TOPMed 0.00298.
gnomAD v4.1: 2,096 of 1,613,298 alleles (0.13%); highest among the groups gnomAD compares: Middle Eastern, 0.62%; 5 homozygotes.

Submissions (4):

Mayo Clinic Laboratories, Mayo Clinic
Classification: Likely benign. Last evaluated: 2025-03-19. Review status: criteria provided, single submitter. Criteria: ACMG Guidelines, 2015. Collection method: clinical testing. Allele origin: germline. Observed: 3 variant alleles.
Comment: BS1, BP4, BP7

ARUP Laboratories, Molecular Genetics and Genomics, ARUP Laboratories
Classification: Likely benign for Wilson disease. Last evaluated: 2019-08-29. Review status: criteria provided, single submitter. Criteria: ARUP Molecular Germline Variant Investigation Process. Collection method: clinical testing. Allele origin: germline.

Breakthrough Genomics
Classification: Likely benign. Review status: criteria provided, single submitter. Criteria: ACMG Guidelines, 2015. Collection method: not provided. Allele origin: germline. Inheritance: Autosomal recessive inheritance. Affected: yes.

PreventionGenetics, part of Exact Sciences
Classification: Benign for ATP7B-related condition. Last evaluated: 2020-03-16. Review status: no assertion criteria provided. Collection method: clinical testing. Allele origin: germline. Not counted in ClinVar's aggregate classification.
Comment: This variant is classified as benign based on ACMG/AMP sequence variant interpretation guidelines (Richards et al. 2015 PMID: 25741868, with internal and published modifications).